The following is an entry in ClinVar:

NM_012472.6(DNAAF11):c.668G>A (p.Ser223Asn)

Gene: DNAAF11 (dynein axonemal assembly factor 11; minus strand). Cytogenetic location: 8q24.22.
Variant type: single nucleotide variant.
Coding change: c.668G>A on transcript NM_012472.6 (MANE Select); coding-DNA position 668, G replaced by A.
Protein change: p.Ser223Asn; replaces serine 223 with asparagine.
Molecular consequence: missense variant. On other transcripts: non-coding transcript variant (10).
Genome position (GRCh38, 1-based): chr8:132,625,440, C>T on the plus strand (G>A on the coding strand, the complement: DNAAF11 is on the minus strand). VCF-style: chr8-132625440-C-T. GRCh37 (hg19) VCF-style: chr8-133637686-C-T.
Other names: c.668G>A, p.Ser223Asn (NM_001321961.2); c.422G>A, p.Ser141Asn (NM_001321962.2); c.308G>A, p.Ser103Asn (NM_001321963.2, NM_001321964.2, NM_001321965.2 and 1 more transcripts); short protein forms S223N, S141N, S103N.
Identifiers: ClinVar variation 540326 (VCV000540326.8), dbSNP rs1404624888, ClinGen allele CA372294889.

ClinVar aggregate classification (germline): Uncertain significance (1 of 4 stars; one submission).

Conditions:
Primary ciliary dyskinesia 19. Also called: CILIARY DYSKINESIA, PRIMARY, 19, WITH OR WITHOUT SITUS INVERSUS. Identifiers: Orphanet 244, MedGen C3543826, MONDO:0013979, OMIM 614935.

Allele frequency attached by ClinVar (database versions not stated): gnomAD exomes below 0.00001 and 0.00001.
gnomAD v4.1: 4 of 1,607,392 alleles (0.00025%); highest among the groups gnomAD compares: East Asian, 0.0022%; no homozygotes.

Submission:

Labcorp Genetics (formerly Invitae), Labcorp
Classification: Uncertain significance for Primary ciliary dyskinesia 19. Last evaluated: 2017-08-13. Review status: criteria provided, single submitter. Criteria: Invitae Variant Classification Sherloc (09022015). Collection method: clinical testing. Allele origin: germline.
Comment: In summary, the available evidence is currently insufficient to determine the role of this variant in disease. Therefore, it has been classified as a Variant of Uncertain Significance. Algorithms developed to predict the effect of missense changes on protein structure and function output the following: SIFT: "Tolerated"; PolyPhen-2: "Benign"; Align-GVGD: "Class C0". The asparagine amino acid residue is found in multiple mammalian species, suggesting that this missense change does not adversely affect protein function. These predictions have not been confirmed by published functional studies and their clinical significance is uncertain. This variant has not been reported in the literature in individuals with LRRC6-related disease. This variant is not present in population databases (ExAC no frequency). This sequence change replaces serine with asparagine at codon 223 of the LRRC6 protein (p.Ser223Asn). The serine residue is weakly conserved and there is a small physicochemical difference between serine and asparagine.